The following is an entry in ClinVar:

ClinVar aggregate classification (germline): Uncertain significance (1 of 4 stars; one submission).

Allele frequency attached by ClinVar (database versions not stated): gnomAD exomes below 0.00001 and 0.00001; TOPMed below 0.00001; ExAC 0.00002.
gnomAD v4.1: 6 of 1,613,042 alleles (0.00037%); highest among the groups gnomAD compares: East Asian, 0.0045%; no homozygotes.

Submission:

Labcorp Genetics (formerly Invitae), Labcorp
Classification: Uncertain significance. Last evaluated: 2023-02-24. Review status: criteria provided, single submitter. Criteria: Invitae Variant Classification Sherloc (09022015). Collection method: clinical testing. Allele origin: germline.
Comment: This sequence change replaces arginine, which is basic and polar, with glutamine, which is neutral and polar, at codon 293 of the PRPF31 protein (p.Arg293Gln). This variant is present in population databases (rs773721834, gnomAD 0.01%). This variant has not been reported in the literature in individuals affected with PRPF31-related conditions. ClinVar contains an entry for this variant (Variation ID: 1374096). An algorithm developed to predict the effect of missense changes on protein structure and function (PolyPhen-2) suggests that this variant is likely to be tolerated. In summary, the available evidence is currently insufficient to determine the role of this variant in disease. Therefore, it has been classified as a Variant of Uncertain Significance.

NM_015629.4(PRPF31):c.878G>A (p.Arg293Gln)

Gene: PRPF31 (pre-mRNA processing factor 31; plus strand). Cytogenetic location: 19q13.42.
Variant type: single nucleotide variant.
Coding change: c.878G>A on transcript NM_015629.4 (MANE Select); coding-DNA position 878, G replaced by A.
Protein change: p.Arg293Gln; replaces arginine 293 with glutamine.
Molecular consequence: missense variant.
Genome position (GRCh38, 1-based): chr19:54,126,550, G>A. VCF-style: chr19-54126550-G-A. GRCh37 (hg19) VCF-style: chr19-54629925-G-A.
Other names: short protein forms R293Q.
Identifiers: ClinVar variation 1374096 (VCV001374096.6), dbSNP rs773721834, ClinGen allele CA309327837.